The following is an entry in ClinVar:

ClinVar aggregate classification (germline): Conflicting classifications of pathogenicity. Review status: criteria provided, conflicting classifications (1 of 4 stars). 8 submissions from 8 submitters: Uncertain significance (3); Likely benign (4). 1 of the submissions does not count toward it. Last evaluated 2026-06-27.

Conditions:
PRF1-related disorder. Also called: PRF1-related condition.
Autoinflammatory syndrome. Identifiers: Orphanet 93665, MedGen C3890737, MONDO:0019751.
Familial hemophagocytic lymphohistiocytosis 2 (FHL2). Also called: PRF1-Related Familial Hemophagocytic Lymphohistiocytosis (PRF1-fHLH). Identifiers: Orphanet 540, MedGen C1863727, MONDO:0011337, OMIM 603553.

Allele frequency attached by ClinVar (database versions not stated): ExAC 0.00002; TOPMed 0.00014; 1000 Genomes Project 0.00060; 1000 Genomes Project 30x 0.00078.
gnomAD v4.1: 144 of 1,611,248 alleles (0.0089%); highest among the groups gnomAD compares: Admixed American, 0.23%; no homozygotes.

Submissions (8):

PreventionGenetics, part of Exact Sciences
Classification: Likely benign for PRF1-related condition. Last evaluated: 2026-06-27. Review status: criteria provided, single submitter. Criteria: ACMG Guidelines, 2015. Collection method: clinical testing. Allele origin: germline.
Comment: This variant is classified as likely benign based on ACMG/AMP sequence variant interpretation guidelines (Richards et al. 2015 PMID: 25741868, with internal and published modifications).

CeGaT Center for Human Genetics Tuebingen
Classification: Likely benign. Last evaluated: 2026-05-01. Review status: criteria provided, single submitter. Criteria: CeGaT Center For Human Genetics Tuebingen Variant Classification Criteria Version 2. Collection method: clinical testing. Allele origin: germline. Affected: yes. Observed: 1 variant allele.
Comment: PRF1: BP4, BP7

Labcorp Genetics (formerly Invitae), Labcorp
Classification: Likely benign for Familial hemophagocytic lymphohistiocytosis 2. Last evaluated: 2026-01-27. Review status: criteria provided, single submitter. Criteria: Invitae Variant Classification Sherloc (09022015). Collection method: clinical testing. Allele origin: germline.

Blueprint Genetics
Classification: Likely benign. Last evaluated: 2022-08-11. Review status: criteria provided, single submitter. Criteria: ACMG Guidelines, 2015. Collection method: clinical testing. Allele origin: germline.

Revvity Omics, Revvity
Classification: Uncertain significance. Last evaluated: 2020-03-11. Review status: criteria provided, single submitter. Criteria: ACMG Guidelines, 2015. Collection method: clinical testing. Allele origin: germline.

Genome Diagnostics Laboratory, The Hospital for Sick Children
Classification: Uncertain significance for Autoinflammatory syndrome. Last evaluated: 2018-12-01. Review status: criteria provided, single submitter. Criteria: ACMG Guidelines, 2015. Collection method: clinical testing. Allele origin: germline. Affected: yes.

Illumina Laboratory Services, Illumina
Classification: Uncertain significance for Familial hemophagocytic lymphohistiocytosis 2. Last evaluated: 2018-01-12. Review status: criteria provided, single submitter. Criteria: ICSL Variant Classification Criteria 13 December 2019. Collection method: clinical testing. Allele origin: germline.

Genetic Services Laboratory, University of Chicago
Classification: Likely benign. Last evaluated: 2022-08-24. Review status: no assertion criteria provided. Collection method: clinical testing. Allele origin: germline. Affected: no. Not counted in ClinVar's aggregate classification.

NM_001083116.3(PRF1):c.132C>A (p.Ala44=)

Gene: PRF1 (perforin 1; minus strand). Cytogenetic location: 10q22.1.
Variant type: single nucleotide variant.
Coding change: c.132C>A on transcript NM_001083116.3 (MANE Select); coding-DNA position 132, C replaced by A.
Protein change: p.Ala44=; no amino-acid change (alanine 44 retained).
Molecular consequence: synonymous variant.
Genome position (GRCh38, 1-based): chr10:70,600,771, G>T on the plus strand (C>A on the coding strand, the complement: PRF1 is on the minus strand). VCF-style: chr10-70600771-G-T. GRCh37 (hg19) VCF-style: chr10-72360527-G-T.
Other names: c.132C>A, p.Ala44= (NM_005041.6).
Identifiers: ClinVar variation 300335 (VCV000300335.24), dbSNP rs181323749, ClinGen allele CA5539120.